The following is an entry in ClinVar:

NM_017654.4(SAMD9):c.4412T>A (p.Met1471Lys)

Gene: SAMD9 (sterile alpha motif domain containing 9; minus strand). Cytogenetic location: 7q21.2.
Variant type: single nucleotide variant.
Coding change: c.4412T>A on transcript NM_017654.4 (MANE Select); coding-DNA position 4412, T replaced by A.
Protein change: p.Met1471Lys; replaces methionine 1471 with lysine.
Molecular consequence: missense variant.
Genome position (GRCh38, 1-based): chr7:93,101,686, A>T on the plus strand (T>A on the coding strand, the complement: SAMD9 is on the minus strand). VCF-style: chr7-93101686-A-T. GRCh37 (hg19) VCF-style: chr7-92730999-A-T.
Other names: c.4412T>A, p.Met1471Lys (NM_001193307.2); short protein forms M1471K.
Identifiers: ClinVar variation 4863864 (VCV004863864.1).
Genomic context (GRCh38, chr7:93,101,686, plus strand): 5'-CTTTCCAGTCTTTTACCTTTTCCAAGAAAGAAATATGCAATTGGTTGCTTTGTACGATGC[A>T]TATGTTTATATTGCCCCTTGAAAGAATTTTTTAGTGCTTGAGCATACTCTTTCATTTGTT-3'
Protein context (NP_060124.2, residues 1461-1481): KNSFKGQYKH[Met1471Lys]HRTKQPIAYF

ClinVar aggregate classification (germline): Uncertain significance (1 of 4 stars; one submission).

Conditions:
Inborn genetic diseases. Identifiers: MedGen C0950123, MeSH D030342.

Submission:

Ambry Genetics
Classification: Uncertain significance for Inborn genetic diseases. Last evaluated: 2026-05-18. Review status: criteria provided, single submitter. Criteria: Ambry Variant Classification Scheme 2023. Collection method: clinical testing. Allele origin: germline.
Comment: The p.M1471K variant (also known as c.4412T>A), located in coding exon 1 of the SAMD9 gene, results from a T to A substitution at nucleotide position 4412. The methionine at codon 1471 is replaced by lysine, an amino acid with similar properties. This amino acid position is conserved. In addition, this alteration is predicted to be tolerated by in silico analysis. Based on the available evidence, the clinical significance of this variant remains unclear.